The following is an entry in ClinVar:

NM_001006658.3(CR2):c.58+97G>A

Gene: CR2 (complement C3d receptor 2; plus strand). Cytogenetic location: 1q32.2.
Variant type: single nucleotide variant.
Coding change: c.58+97G>A on transcript NM_001006658.3 (MANE Select); 97 bases into the intron after coding-DNA position 58, G replaced by A.
Molecular consequence: intron variant.
Genome position (GRCh38, 1-based): chr1:207,454,573, G>A. VCF-style: chr1-207454573-G-A. GRCh37 (hg19) VCF-style: chr1-207627918-G-A.
Other names: c.58+97G>A (NM_001877.5).
Identifiers: ClinVar variation 1166837 (VCV001166837.11), dbSNP rs1876453, ClinGen allele CA10699513.
Genomic context (GRCh38, chr1:207,454,573, plus strand): 5'-TCCCGGGCAGGGAAAGTTTCTGTGCCGCGATGCAAAGCAGGGGGCCAAAAGCGAGACGGT[G>A]GGGGCAGTGCTCGACGCGTGTCCGCCTCCCGCTAGCTTTGAGGGACCACTGCAATAAACC-3'

ClinVar aggregate classification (germline): Benign. Review status: criteria provided, multiple submitters, no conflicts (2 of 4 stars). 4 submissions from 4 submitters: Benign (4). Last evaluated 2026-01-26.

Conditions:
Immunodeficiency, common variable, 7. Identifiers: Orphanet 1572, Orphanet 696894, MedGen C3542922, MONDO:0013862, OMIM 614699.

Allele frequency attached by ClinVar (database versions not stated): gnomAD 0.08308 and 0.08516; gnomAD exomes 0.09512; 1000 Genomes Project 0.04972; TOPMed 0.08075; 1000 Genomes Project 30x 0.05044.

Submissions (4):

Labcorp Genetics (formerly Invitae), Labcorp
Classification: Benign for Immunodeficiency, common variable, 7. Last evaluated: 2026-01-26. Review status: criteria provided, single submitter. Criteria: Invitae Variant Classification Sherloc (09022015). Collection method: clinical testing. Allele origin: germline.

Genome-Nilou Lab
Classification: Benign for Immunodeficiency, common variable, 7. Last evaluated: 2023-04-11. Review status: criteria provided, single submitter. Criteria: ACMG Guidelines, 2015. Collection method: clinical testing. Allele origin: germline. Affected: no.

GeneDx
Classification: Benign. Last evaluated: 2021-06-18. Review status: criteria provided, single submitter. Criteria: GeneDx Variant Classification Process June 2021. Collection method: clinical testing. Allele origin: germline. Affected: yes.
Comment: This variant is associated with the following publications: (PMID: 25180293)

Breakthrough Genomics
Classification: Benign. Review status: criteria provided, single submitter. Criteria: ACMG Guidelines, 2015. Collection method: not provided. Allele origin: germline. Inheritance: Autosomal recessive inheritance. Affected: yes.